The following is an entry in ClinVar:

ClinVar aggregate classification (germline): Likely pathogenic (1 of 4 stars; one submission).

Conditions:
PMP22-related disorder. Also called: PMP22-related condition; PMP22-related disorders.

Allele frequency attached by ClinVar (database versions not stated): gnomAD exomes below 0.00001.
gnomAD v4.1: 1 of 1,613,174 alleles (0.000062%); highest among the groups gnomAD compares: Non-Finnish European, 0.000085%; no homozygotes.

Submission:

PreventionGenetics, part of Exact Sciences
Classification: Likely pathogenic for PMP22-related condition. Last evaluated: 2026-04-20. Review status: criteria provided, single submitter. Criteria: ACMG Guidelines, 2015. Collection method: clinical testing. Allele origin: germline.
Comment: The PMP22 c.320G>A variant is predicted to result in the amino acid substitution p.Gly107Asp. This variant has been reported to segregate with several family members with autosomal dominant Charcot-Marie-Tooth disease (Li et al. 2017. PubMed ID: 28748849; Chen et al. 2019. PubMed ID: 31372974). Functional studies in HeLa cells indicate this variant may result in altered intracellular trafficking (Li et al 2017. PubMed ID: 28748849). This variant has not been reported in a large population database (gnomAD), indicating this variant is rare. A different substitution at this same amino acid position (p.Gly107Val) has also been reported to segregate with disease in a large family with Charcot-Marie-Tooth disease with functional studies indicating it results in impaired cellular trafficking (Marrosu et al. 1997. PubMed ID: 9040744; Li et al. 2017. PubMed ID: 28748849). Although not conclusive, this evidence indicates the c.320G>A variant is likely pathogenic for autosomal dominant Charcot-Marie-Tooth disease.

NM_000304.4(PMP22):c.320G>A (p.Gly107Asp)

Gene: PMP22 (peripheral myelin protein 22; minus strand). Cytogenetic location: 17p12.
Variant type: single nucleotide variant.
Coding change: c.320G>A on transcript NM_000304.4 (MANE Select); coding-DNA position 320, G replaced by A.
Protein change: p.Gly107Asp; replaces glycine 107 with aspartic acid.
Molecular consequence: missense variant. On other transcripts: non-coding transcript variant (2).
Genome position (GRCh38, 1-based): chr17:15,231,080, C>T on the plus strand (G>A on the coding strand, the complement: PMP22 is on the minus strand). VCF-style: chr17-15231080-C-T. GRCh37 (hg19) VCF-style: chr17-15134397-C-T.
Other names: c.320G>A, p.Gly107Asp (NM_001281455.2, NM_001281456.2, NM_153321.3 and 1 more transcripts); short protein forms G107D.
Identifiers: ClinVar variation 3040104 (VCV003040104.3), dbSNP rs1597597900, ClinGen allele CA398739845.